The following is an entry in ClinVar:

NM_016492.5(RANGRF):c.100A>G (p.Asn34Asp)

Genes: RANGRF (RAN guanine nucleotide release factor; plus strand), SLC25A35 (solute carrier family 25 member 35; minus strand), LOC130060241 (ATAC-STARR-seq lymphoblastoid active region 11693; plus strand). Cytogenetic location: 17p13.1.
Variant type: single nucleotide variant.
Coding change: c.100A>G on transcript NM_016492.5 (MANE Select); coding-DNA position 100, A replaced by G.
Protein change: p.Asn34Asp; replaces asparagine 34 with aspartic acid.
Molecular consequence: missense variant. On other transcripts: 3 prime UTR variant (2), non-coding transcript variant (2), intron variant (1).
Genome position (GRCh38, 1-based): chr17:8,288,978, A>G. VCF-style: chr17-8288978-A-G. GRCh37 (hg19) VCF-style: chr17-8192296-A-G.
Other names: c.100A>G, p.Asn34Asp (NM_001177801.2, NM_001177802.2, NM_001330127.2); c.*505T>C (NM_001320872.2); c.*638T>C (NM_201520.3); c.*43-546T>C (NM_001320871.2); short protein forms N34D.
Identifiers: ClinVar variation 3703114 (VCV003703114.2).

ClinVar aggregate classification (germline): Uncertain significance (1 of 4 stars; one submission).

Conditions:
Cardiac arrhythmia. Also called: Cardiac rhythm disease; Arrhythmia. Identifiers: MedGen C0003811, MONDO:0007263, HP:0011675.

gnomAD v4.1: 13 of 1,614,038 alleles (0.00081%); highest among the groups gnomAD compares: African/African-American, 0.016%; no homozygotes.

Submission:

Labcorp Genetics (formerly Invitae), Labcorp
Classification: Uncertain significance for Cardiac arrhythmia. Last evaluated: 2024-11-09. Review status: criteria provided, single submitter. Criteria: Invitae Variant Classification Sherloc (09022015). Collection method: clinical testing. Allele origin: germline.
Comment: This sequence change replaces asparagine, which is neutral and polar, with aspartic acid, which is acidic and polar, at codon 34 of the RANGRF protein (p.Asn34Asp). This variant is present in population databases (rs371105217, gnomAD 0.008%). This variant has not been reported in the literature in individuals affected with RANGRF-related conditions. An algorithm developed to predict the effect of missense changes on protein structure and function (PolyPhen-2) suggests that this variant is likely to be disruptive. In summary, the available evidence is currently insufficient to determine the role of this variant in disease. Therefore, it has been classified as a Variant of Uncertain Significance.